The following is an entry in ClinVar:

ClinVar aggregate classification (germline): Conflicting classifications of pathogenicity. Review status: criteria provided, conflicting classifications (1 of 4 stars). 2 submissions from 2 submitters: Uncertain significance (1); Likely benign (1). Last evaluated 2025-08-10.

Conditions:
Inborn genetic diseases. Identifiers: MedGen C0950123, MeSH D030342.
Holoprosencephaly 11 (HPE11). Identifiers: Orphanet 2162, MedGen C3280215, MONDO:0013642, OMIM 614226.

Allele frequency attached by ClinVar (database versions not stated): ExAC 0.00003; gnomAD 0.00005; TOPMed 0.00005; gnomAD exomes 0.00008.
gnomAD v4.1: 119 of 1,612,472 alleles (0.0074%); highest among the groups gnomAD compares: Non-Finnish European, 0.0093%; no homozygotes.

Submissions (2):

Ambry Genetics
Classification: Likely benign for Inborn genetic diseases. Last evaluated: 2025-08-10. Review status: criteria provided, single submitter. Criteria: Ambry Variant Classification Scheme 2023. Collection method: clinical testing. Allele origin: germline.

Labcorp Genetics (formerly Invitae), Labcorp
Classification: Uncertain significance for Holoprosencephaly 11. Last evaluated: 2023-07-27. Review status: criteria provided, single submitter. Criteria: Invitae Variant Classification Sherloc (09022015). Collection method: clinical testing. Allele origin: germline.
Comment: Advanced modeling of protein sequence and biophysical properties (such as structural, functional, and spatial information, amino acid conservation, physicochemical variation, residue mobility, and thermodynamic stability) performed at Invitae indicates that this missense variant is not expected to disrupt CDON protein function. This variant has not been reported in the literature in individuals affected with CDON-related conditions. This variant is present in population databases (rs751093304, gnomAD 0.009%). This sequence change replaces histidine, which is basic and polar, with arginine, which is basic and polar, at codon 831 of the CDON protein (p.His831Arg). In summary, the available evidence is currently insufficient to determine the role of this variant in disease. Therefore, it has been classified as a Variant of Uncertain Significance.

NM_001378964.1(CDON):c.2492A>G (p.His831Arg)

Gene: CDON (cell adhesion associated, oncogene regulated; minus strand). Cytogenetic location: 11q24.2.
Variant type: single nucleotide variant.
Coding change: c.2492A>G on transcript NM_001378964.1 (MANE Select); coding-DNA position 2492, A replaced by G.
Protein change: p.His831Arg; replaces histidine 831 with arginine.
Molecular consequence: missense variant.
Genome position (GRCh38, 1-based): chr11:125,994,923, T>C on the plus strand (A>G on the coding strand, the complement: CDON is on the minus strand). VCF-style: chr11-125994923-T-C. GRCh37 (hg19) VCF-style: chr11-125864818-T-C.
Other names: c.2492A>G, p.His831Arg (NM_001243597.3, NM_016952.6); short protein forms H831R.
Identifiers: ClinVar variation 2850732 (VCV002850732.4), dbSNP rs751093304, ClinGen allele CA6351709.